The following is an entry in ClinVar:

ClinVar aggregate classification (germline): Uncertain significance. Review status: criteria provided, multiple submitters, no conflicts (2 of 4 stars). 2 submissions from 2 submitters: Uncertain significance (2). Last evaluated 2021-05-25.

Conditions:
Walker-Warburg congenital muscular dystrophy. Also called: Muscular dystrophy-dystroglycanopathy, type A; Walker-Warburg syndrome. Identifiers: Orphanet 899, MedGen C0265221, MONDO:0000171.

Allele frequency attached by ClinVar (database versions not stated): gnomAD exomes below 0.00001.
gnomAD v4.1: 1 of 1,575,714 alleles (0.000063%); no homozygotes.

Submissions (2):

Labcorp Genetics (formerly Invitae), Labcorp
Classification: Uncertain significance for Walker-Warburg congenital muscular dystrophy. Last evaluated: 2021-05-25. Review status: criteria provided, single submitter. Criteria: Invitae Variant Classification Sherloc (09022015). Collection method: clinical testing. Allele origin: germline.
Comment: In summary, the available evidence is currently insufficient to determine the role of this variant in disease. Therefore, it has been classified as a Variant of Uncertain Significance. Algorithms developed to predict the effect of sequence changes on RNA splicing suggest that this variant may create or strengthen a splice site, but this prediction has not been confirmed by published transcriptional studies. Algorithms developed to predict the effect of missense changes on protein structure and function are either unavailable or do not agree on the potential impact of this missense change (SIFT: "Deleterious"; PolyPhen-2: "Probably Damaging"; Align-GVGD: "Class C0"). This variant has been observed in individual(s) with limb-girdle muscular dystrophy (PMID: 19917824). ClinVar contains an entry for this variant (Variation ID: 197348). The frequency data for this variant in the population databases is considered unreliable, as metrics indicate insufficient coverage at this position in the ExAC database. This sequence change replaces leucine with valine at codon 322 of the FKRP protein (p.Leu322Val). The leucine residue is highly conserved and there is a small physicochemical difference between leucine and valine.

Eurofins Ntd Llc (ga)
Classification: Uncertain significance. Last evaluated: 2015-03-24. Review status: criteria provided, single submitter. Criteria: EGL Classification Definitions 2015. Collection method: clinical testing. Allele origin: germline. Observed: 3 variant alleles, 2 heterozygotes, 1 homozygote.

Literature cited by the submitters: PubMed 19917824 (cited by Labcorp Genetics (formerly Invitae), Labcorp).

NM_024301.5(FKRP):c.964C>G (p.Leu322Val)

Gene: FKRP (fukutin related protein; plus strand). Cytogenetic location: 19q13.32.
Variant type: single nucleotide variant.
Coding change: c.964C>G on transcript NM_024301.5 (MANE Select); coding-DNA position 964, C replaced by G.
Protein change: p.Leu322Val; replaces leucine 322 with valine.
Molecular consequence: missense variant.
Genome position (GRCh38, 1-based): chr19:46,756,414, C>G. VCF-style: chr19-46756414-C-G. GRCh37 (hg19) VCF-style: chr19-47259671-C-G.
Other names: c.964C>G, p.Leu322Val (NM_001039885.3); short protein forms L322V.
Identifiers: ClinVar variation 197348 (VCV000197348.13), dbSNP rs794727653, ClinGen allele CA245438.